The following is an entry in ClinVar:

ClinVar aggregate classification (germline): Uncertain significance (1 of 4 stars; one submission).

Conditions:
Hereditary hyperekplexia. Identifiers: Orphanet 3197, MedGen C4084968, MONDO:0021022.

Allele frequency attached by ClinVar (database versions not stated): gnomAD exomes below 0.00001; TOPMed below 0.00001.
gnomAD v4.1: 1 of 1,614,032 alleles (0.000062%); highest among the groups gnomAD compares: Admixed American, 0.0017%; no homozygotes.

Submission:

Labcorp Genetics (formerly Invitae), Labcorp
Classification: Uncertain significance for Hereditary hyperekplexia. Last evaluated: 2024-02-17. Review status: criteria provided, single submitter. Criteria: Invitae Variant Classification Sherloc (09022015). Collection method: clinical testing. Allele origin: germline.
Comment: This sequence change replaces glutamic acid, which is acidic and polar, with aspartic acid, which is acidic and polar, at codon 200 of the GLRA1 protein (p.Glu200Asp). This variant is present in population databases (no rsID available, gnomAD 0.003%). This variant has not been reported in the literature in individuals affected with GLRA1-related conditions. ClinVar contains an entry for this variant (Variation ID: 1046205). Advanced modeling of protein sequence and biophysical properties (such as structural, functional, and spatial information, amino acid conservation, physicochemical variation, residue mobility, and thermodynamic stability) performed at Invitae indicates that this missense variant is not expected to disrupt GLRA1 protein function with a negative predictive value of 80%. In summary, the available evidence is currently insufficient to determine the role of this variant in disease. Therefore, it has been classified as a Variant of Uncertain Significance.

NM_000171.4(GLRA1):c.600A>T (p.Glu200Asp)

Gene: GLRA1 (glycine receptor alpha 1; minus strand). Cytogenetic location: 5q33.1.
Variant type: single nucleotide variant.
Coding change: c.600A>T on transcript NM_000171.4 (MANE Select); coding-DNA position 600, A replaced by T.
Protein change: p.Glu200Asp; replaces glutamic acid 200 with aspartic acid.
Molecular consequence: missense variant.
Genome position (GRCh38, 1-based): chr5:151,855,137, T>A on the plus strand (A>T on the coding strand, the complement: GLRA1 is on the minus strand). VCF-style: chr5-151855137-T-A. GRCh37 (hg19) VCF-style: chr5-151234698-T-A.
Other names: c.600A>T, p.Glu200Asp (NM_001146040.2); c.351A>T, p.Glu117Asp (NM_001292000.2); short protein forms E117D, E200D.
Identifiers: ClinVar variation 1046205 (VCV001046205.8), dbSNP rs1192986592, ClinGen allele CA361840004.